The following is an entry in ClinVar:

NM_001142699.3(DLG2):c.1235C>G (p.Ser412Cys)

Gene: DLG2 (discs large MAGUK scaffold protein 2; minus strand). Cytogenetic location: 11q14.1.
Variant type: single nucleotide variant.
Coding change: c.1235C>G on transcript NM_001142699.3 (MANE Select); coding-DNA position 1235, C replaced by G.
Protein change: p.Ser412Cys; replaces serine 412 with cysteine.
Molecular consequence: missense variant. On other transcripts: non-coding transcript variant (1).
Genome position (GRCh38, 1-based): chr11:83,962,990, G>C on the plus strand (C>G on the coding strand, the complement: DLG2 is on the minus strand). VCF-style: chr11-83962990-G-C. GRCh37 (hg19) VCF-style: chr11-83674033-G-C.
Other names: c.767C>G, p.Ser256Cys (NM_001142700.2); c.1037C>G, p.Ser346Cys (NM_001206769.2, NM_001377966.1, NM_001377967.1 and 2 more transcripts); c.920C>G, p.Ser307Cys (NM_001300983.1, NM_001364.3, NM_001377968.1); c.1271C>G, p.Ser424Cys (NM_001351274.2); c.1268C>G, p.Ser423Cys (NM_001351275.2); c.977C>G, p.Ser326Cys (NM_001351276.2); c.821C>G, p.Ser274Cys (NM_001377972.1, NM_001377974.1, NM_001377975.1); c.794C>G, p.Ser265Cys (NM_001377973.1); short protein forms S256C, S265C, S274C, S307C, S326C, S346C, S412C, S423C.
Identifiers: ClinVar variation 2631467 (VCV002631467.2), dbSNP rs2546622758, ClinGen allele CA382195736.

ClinVar aggregate classification (germline): Uncertain significance (1 of 4 stars; one submission).

Conditions:
DLG2-related disorder. Also called: DLG2-related condition.

Submission:

PreventionGenetics, part of Exact Sciences
Classification: Uncertain significance for DLG2-related condition. Last evaluated: 2026-02-23. Review status: criteria provided, single submitter. Criteria: ACMG Guidelines, 2015. Collection method: clinical testing. Allele origin: germline.
Comment: The DLG2 c.1235C>G variant is predicted to result in the amino acid substitution p.Ser412Cys. To our knowledge, this variant has not been reported in the literature or in a large population database (gnomAD), indicating this variant is rare. At this time, the clinical significance of this variant is uncertain due to the absence of conclusive functional and genetic evidence.